The following is an entry in ClinVar:

ClinVar aggregate classification (germline): Uncertain significance (1 of 4 stars; one submission).

Submission:

GeneDx
Classification: Uncertain significance. Last evaluated: 2025-07-23. Review status: criteria provided, single submitter. Criteria: GeneDx Variant Classification Process June 2021. Collection method: clinical testing. Allele origin: germline. Affected: yes.
Comment: Not observed at significant frequency in large population cohorts (gnomAD); In silico analysis suggests that this missense variant does not alter protein structure/function; Has not been previously published as pathogenic or benign to our knowledge

NM_001393504.1(MAST3):c.3950A>G (p.Glu1317Gly)

Gene: MAST3 (microtubule associated serine/threonine kinase 3; plus strand). Cytogenetic location: 19p13.11.
Variant type: single nucleotide variant.
Coding change: c.3950A>G on transcript NM_001393504.1 (MANE Select); coding-DNA position 3950, A replaced by G.
Protein change: p.Glu1317Gly; replaces glutamic acid 1317 with glycine.
Molecular consequence: missense variant.
Genome position (GRCh38, 1-based): chr19:18,149,632, A>G. VCF-style: chr19-18149632-A-G. GRCh37 (hg19) VCF-style: chr19-18260442-A-G.
Other names: c.3974A>G, p.Glu1325Gly (NM_001393501.1); c.3953A>G, p.Glu1318Gly (NM_001393502.1); c.3950A>G, p.Glu1317Gly (NM_001393503.1); c.3920A>G, p.Glu1307Gly (NM_001393505.1); c.3902A>G, p.Glu1301Gly (NM_001393506.1, NM_001393507.1); c.3884A>G, p.Glu1295Gly (NM_001393508.1); c.3881A>G, p.Glu1294Gly (NM_001393509.1, NM_001393510.1); c.3878A>G, p.Glu1293Gly (NM_001393511.1, NM_001393512.1); and 9 more; short protein forms E1270G, E1278G, E1279G, E1284G, E1285G, E1286G, E1287G, E1288G.
Identifiers: ClinVar variation 4687026 (VCV004687026.1).